The following is an entry in ClinVar:

NM_001079668.3(NKX2-1):c.645C>A (p.Tyr215Ter)

Genes: NKX2-1 (NK2 homeobox 1; minus strand), SFTA3 (surfactant associated 3; minus strand). Cytogenetic location: 14q13.3.
Variant type: single nucleotide variant.
Coding change: c.645C>A on transcript NM_001079668.3 (MANE Select); coding-DNA position 645, C replaced by A.
Protein change: p.Tyr215Ter; replaces tyrosine 215 with a stop codon.
Molecular consequence: nonsense.
Genome position (GRCh38, 1-based): chr14:36,517,839, G>T on the plus strand (C>A on the coding strand, the complement: NKX2-1 is on the minus strand). VCF-style: chr14-36517839-G-T. GRCh37 (hg19) VCF-style: chr14-36987044-G-T.
Other names: c.555C>A, p.Tyr185Ter (NM_003317.4); short protein forms Y215*, Y185*.
Identifiers: ClinVar variation 620408 (VCV000620408.2), dbSNP rs1566615444, ClinGen allele CA389459359.

ClinVar aggregate classification (germline): Likely pathogenic (1 of 4 stars; one submission).

Submission:

GeneDx
Classification: Likely pathogenic. Last evaluated: 2024-11-19. Review status: criteria provided, single submitter. Criteria: GeneDx Variant Classification Process June 2021. Collection method: clinical testing. Allele origin: germline. Affected: yes.
Comment: Nonsense variant predicted to result in protein truncation, as the last 187 amino acid(s) are lost, and other loss-of-function variants have been reported downstream in HGMD; Not observed at significant frequency in large population cohorts (gnomAD); Has not been previously published as pathogenic or benign to our knowledge